The following is an entry in ClinVar:

NM_014991.6(WDFY3):c.6036C>T (p.Ser2012=)

Gene: WDFY3 (WD repeat and FYVE domain containing 3; minus strand). Cytogenetic location: 4q21.23.
Variant type: single nucleotide variant.
Coding change: c.6036C>T on transcript NM_014991.6 (MANE Select); coding-DNA position 6036, C replaced by T.
Protein change: p.Ser2012=; no amino-acid change (serine 2012 retained).
Molecular consequence: synonymous variant.
Genome position (GRCh38, 1-based): chr4:84,743,737, G>A on the plus strand (C>T on the coding strand, the complement: WDFY3 is on the minus strand). VCF-style: chr4-84743737-G-A. GRCh37 (hg19) VCF-style: chr4-85664890-G-A.
Identifiers: ClinVar variation 2654868 (VCV002654868.24), dbSNP rs775015737, ClinGen allele CA2992930.
Genomic context (GRCh38, chr4:84,743,737, plus strand): 5'-ATAAAATAAAAACACAGAATTACCTAATAACACATCAGCTGCAAGCAAATGGTCCATCAC[G>A]CTATCCAAAATGTAAGTTTGAAATTCTTTTTGCTGAGTTCTTGTAGACCTTTCAGGGGAA-3'
Protein context (NP_055806.2, residues 2002-2022): QKEFQTYILD[Ser2012=]VMDHLLAADV

ClinVar aggregate classification (germline): Likely benign (1 of 4 stars; one submission).

Allele frequency attached by ClinVar (database versions not stated): gnomAD exomes 0.00002; TOPMed 0.00002; ExAC 0.00003; gnomAD 0.00003.
gnomAD v4.1: 36 of 1,594,854 alleles (0.0023%); highest among the groups gnomAD compares: Middle Eastern, 0.1%; no homozygotes.

Submission:

CeGaT Center for Human Genetics Tuebingen
Classification: Likely benign. Last evaluated: 2026-03-01. Review status: criteria provided, single submitter. Criteria: CeGaT Center For Human Genetics Tuebingen Variant Classification Criteria Version 2. Collection method: clinical testing. Allele origin: germline. Affected: yes. Observed: 2 variant alleles.
Comment: WDFY3: BP4, BP7